The following is an entry in ClinVar:

NM_001252024.2(TRPM1):c.2394A>T (p.Thr798=)

Gene: TRPM1 (transient receptor potential cation channel subfamily M member 1; minus strand). Cytogenetic location: 15q13.3.
Variant type: single nucleotide variant.
Coding change: c.2394A>T on transcript NM_001252024.2 (MANE Select); coding-DNA position 2394, A replaced by T.
Protein change: p.Thr798=; no amino-acid change (threonine 798 retained).
Molecular consequence: synonymous variant.
Genome position (GRCh38, 1-based): chr15:31,038,089, T>A on the plus strand (A>T on the coding strand, the complement: TRPM1 is on the minus strand). VCF-style: chr15-31038089-T-A. GRCh37 (hg19) VCF-style: chr15-31330292-T-A.
Other names: c.2445A>T (NM_001252020.1); c.2445A>T, p.Thr815= (NM_001252020.2); c.2328A>T, p.Thr776= (NM_002420.6).
Identifiers: ClinVar variation 2712299 (VCV002712299.4), dbSNP rs759239770, ClinGen allele CA7452227.

ClinVar aggregate classification (germline): Likely benign. Review status: criteria provided, multiple submitters, no conflicts (2 of 4 stars). 2 submissions from 2 submitters: Likely benign (2). Last evaluated 2026-07-30.

Conditions:
TRPM1-related disorder. Also called: TRPM1-related condition.

Allele frequency attached by ClinVar (database versions not stated): TOPMed below 0.00001; ExAC 0.00001; gnomAD exomes 0.00003.
gnomAD v4.1: 40 of 1,614,202 alleles (0.0025%); highest among the groups gnomAD compares: Non-Finnish European, 0.0032%; no homozygotes.

Submissions (2):

PreventionGenetics, part of Exact Sciences
Classification: Likely benign for TRPM1-related condition. Last evaluated: 2026-07-30. Review status: criteria provided, single submitter. Criteria: ACMG Guidelines, 2015. Collection method: clinical testing. Allele origin: germline.
Comment: This variant is classified as likely benign based on ACMG/AMP sequence variant interpretation guidelines (Richards et al. 2015 PMID: 25741868, with internal and published modifications).

Labcorp Genetics (formerly Invitae), Labcorp
Classification: Likely benign. Last evaluated: 2023-07-22. Review status: criteria provided, single submitter. Criteria: Invitae Variant Classification Sherloc (09022015). Collection method: clinical testing. Allele origin: germline.